The following is an entry in ClinVar:

NM_201596.3(CACNB2):c.545T>C (p.Met182Thr)

Gene: CACNB2 (calcium voltage-gated channel auxiliary subunit beta 2; plus strand). Cytogenetic location: 10p12.31.
Variant type: single nucleotide variant.
Coding change: c.545T>C on transcript NM_201596.3 (MANE Select); coding-DNA position 545, T replaced by C.
Protein change: p.Met182Thr; replaces methionine 182 with threonine.
Molecular consequence: missense variant.
Genome position (GRCh38, 1-based): chr10:18,500,900, T>C. VCF-style: chr10-18500900-T-C. GRCh37 (hg19) VCF-style: chr10-18789829-T-C.
Other names: c.380T>C, p.Met127Thr (NM_000724.4, NM_001330060.2); c.461T>C, p.Met154Thr (NM_001167945.2, NM_201571.4, NM_201572.4); c.401T>C, p.Met134Thr (NM_001410882.1, NM_201570.3); c.383T>C, p.Met128Thr (NM_201590.3); c.545T>C, p.Met182Thr (NM_201593.3, NM_201597.3); short protein forms M154T, M182T, M127T, M128T, M134T.
Identifiers: ClinVar variation 4761638 (VCV004761638.1).
Genomic context (GRCh38, chr10:18,500,900, plus strand): 5'-GATTGGTAAAAGAAGGCTGTGAAATCGGATTCATTCCAAGCCCAGTCAAACTAGAAAACA[T>C]GAGGCTGCAGCATGAACAGAGAGCCAAGCAAGGGAAATTCTACTCCAGGTATGAGACAGA-3'
Protein context (NP_963890.2, residues 172-192): FIPSPVKLEN[Met182Thr]RLQHEQRAKQ

ClinVar aggregate classification (germline): Uncertain significance (1 of 4 stars; one submission).

Conditions:
Brugada syndrome 4 (BRGDA4). Identifiers: Orphanet 130, MedGen C2678477, MONDO:0012743, OMIM 611876.

Submission:

Labcorp Genetics (formerly Invitae), Labcorp
Classification: Uncertain significance for Brugada syndrome 4. Last evaluated: 2025-07-16. Review status: criteria provided, single submitter. Criteria: Invitae Variant Classification Sherloc (09022015). Collection method: clinical testing. Allele origin: germline.
Comment: This sequence change replaces methionine, which is neutral and non-polar, with threonine, which is neutral and polar, at codon 128 of the CACNB2 protein (p.Met128Thr). This variant is present in population databases (rs752463428, gnomAD 0.0009%). This variant has not been reported in the literature in individuals affected with CACNB2-related conditions. Invitae Evidence Modeling of protein sequence and biophysical properties (such as structural, functional, and spatial information, amino acid conservation, physicochemical variation, residue mobility, and thermodynamic stability) indicates that this missense variant is not expected to disrupt CACNB2 protein function with a negative predictive value of 80%. In summary, the available evidence is currently insufficient to determine the role of this variant in disease. Therefore, it has been classified as a Variant of Uncertain Significance.